The following is an entry in ClinVar:

NM_001267550.2(TTN):c.67415G>A (p.Trp22472Ter)

Genes: TTN (titin; minus strand), TTN-AS1 (TTN antisense RNA 1; plus strand). Cytogenetic location: 2q31.2.
Variant type: single nucleotide variant.
Coding change: c.67415G>A on transcript NM_001267550.2 (MANE Select); coding-DNA position 67415, G replaced by A.
Protein change: p.Trp22472Ter; replaces tryptophan 22472 with a stop codon.
Molecular consequence: nonsense.
Genome position (GRCh38, 1-based): chr2:178,579,782, C>T on the plus strand (G>A on the coding strand, the complement: TTN is on the minus strand). VCF-style: chr2-178579782-C-T. GRCh37 (hg19) VCF-style: chr2-179444509-C-T.
Other names: c.62492G>A, p.Trp20831Ter (NM_001256850.1); c.40220G>A, p.Trp13407Ter (NM_003319.4); c.59711G>A, p.Trp19904Ter (NM_133378.4); c.40595G>A, p.Trp13532Ter (NM_133432.3); c.40796G>A, p.Trp13599Ter (NM_133437.4); short protein forms W20831*, W22472*, W13407*, W13599*, W19904*, W13532*.
Identifiers: ClinVar variation 620367 (VCV000620367.2), dbSNP rs1559491398, ClinGen allele CA349423812.

ClinVar aggregate classification (germline): Pathogenic. Review status: criteria provided, multiple submitters, no conflicts (2 of 4 stars). 2 submissions from 2 submitters: Pathogenic (2). Last evaluated 2023-04-18.

Conditions:
TTN-related disorder. Also called: TTN-related condition; TTN-related disease; TTN-related disorders.

gnomAD v4.1: 1 of 1,613,244 alleles (0.000062%); no homozygotes.

Submissions (2):

Blueprint Genetics
Classification: Pathogenic for TTN-related disorders. Last evaluated: 2023-04-18. Review status: criteria provided, single submitter. Criteria: ACMG Guidelines, 2015. Collection method: clinical testing. Allele origin: germline. Affected: yes. Observed: 2 variant alleles.

GeneDx
Classification: Pathogenic. Last evaluated: 2018-09-12. Review status: criteria provided, single submitter. Criteria: GeneDx Variant Classification (06012015). Collection method: clinical testing. Allele origin: germline. Affected: yes.
Comment: The W20831X variant in the TTN gene has not been reported previously as a pathogenic variant nor as a benign variant, to our knowledge. This variant is predicted to cause loss of normal protein function either through protein truncation or nonsense-mediated mRNA decay. The W20831X variant is not observed in large population cohorts (Lek et al., 2016). We interpret W20831X as a pathogenic variant.